The following is an entry in ClinVar:

ClinVar aggregate classification (germline): Benign/Likely benign. Review status: criteria provided, multiple submitters, no conflicts (2 of 4 stars). 5 submissions from 5 submitters: Benign (1); Likely benign (4). Last evaluated 2025-01-15.

Conditions:
Familial cancer of breast. Also called: BREAST CANCER, FAMILIAL; hereditary breast carcinoma; Hereditary breast cancer. Identifiers: Orphanet 227535, MedGen C0346153, MONDO:0016419, OMIM 114480. Disease mechanism: loss of function.
Hereditary cancer-predisposing syndrome. Also called: Neoplastic Syndromes, Hereditary; Tumor predisposition; Hereditary Cancer Syndrome; Hereditary neoplastic syndrome. Identifiers: Orphanet 140162, MedGen C0027672, MeSH D009386, MONDO:0015356.

Allele frequency attached by ClinVar (database versions not stated): gnomAD exomes below 0.00001 and 0.00001; ExAC 0.00001; gnomAD 0.00001; 1000 Genomes Project 0.00020; 1000 Genomes Project 30x 0.00031.
gnomAD v4.1: 5 of 1,614,136 alleles (0.00031%); highest among the groups gnomAD compares: Admixed American, 0.0067%; no homozygotes.

Submissions (5):

Myriad Genetics, Inc.
Classification: Benign for Familial cancer of breast. Last evaluated: 2025-01-15. Review status: criteria provided, single submitter. Criteria: Myriad Autosomal Dominant, Autosomal Recessive and X-Linked Classification Criteria (2023). Collection method: clinical testing. Allele origin: unknown.
Comment: This variant is considered benign. This variant is a silent/synonymous amino acid change and it is not expected to impact splicing.

Labcorp Genetics (formerly Invitae), Labcorp
Classification: Likely benign for Familial cancer of breast. Last evaluated: 2024-10-29. Review status: criteria provided, single submitter. Criteria: Invitae Variant Classification Sherloc (09022015). Collection method: clinical testing. Allele origin: germline.

Sema4
Classification: Likely benign for Hereditary cancer-predisposing syndrome. Last evaluated: 2021-05-29. Review status: criteria provided, single submitter. Criteria: Sema4 Curation Guidelines. Collection method: curation. Allele origin: germline.

GeneDx
Classification: Likely benign. Last evaluated: 2020-06-29. Review status: criteria provided, single submitter. Criteria: GeneDx Variant Classification Process June 2021. Collection method: clinical testing. Allele origin: germline. Affected: yes.

Ambry Genetics
Classification: Likely benign for Hereditary cancer-predisposing syndrome. Last evaluated: 2015-08-04. Review status: criteria provided, single submitter. Criteria: Ambry Variant Classification Scheme 2023. Collection method: clinical testing. Allele origin: germline.

NM_024675.4(PALB2):c.2274C>T (p.Pro758=)

Gene: PALB2 (partner and localizer of BRCA2; minus strand). Cytogenetic location: 16p12.2.
Variant type: single nucleotide variant.
Coding change: c.2274C>T on transcript NM_024675.4 (MANE Select); coding-DNA position 2274, C replaced by T.
Protein change: p.Pro758=; no amino-acid change (proline 758 retained).
Molecular consequence: synonymous variant.
Genome position (GRCh38, 1-based): chr16:23,629,880, G>A on the plus strand (C>T on the coding strand, the complement: PALB2 is on the minus strand). VCF-style: chr16-23629880-G-A. GRCh37 (hg19) VCF-style: chr16-23641201-G-A.
Identifiers: ClinVar variation 233151 (VCV000233151.17), dbSNP rs183322618, ClinGen allele CA7963602.